The following is an entry in ClinVar:

ClinVar aggregate classification (germline): Uncertain significance (1 of 4 stars; one submission).

Submission:

CeGaT Center for Human Genetics Tuebingen
Classification: Uncertain significance. Last evaluated: 2025-10-01. Review status: criteria provided, single submitter. Criteria: CeGaT Center For Human Genetics Tuebingen Variant Classification Criteria Version 2. Collection method: clinical testing. Allele origin: germline. Affected: yes. Observed: 1 variant allele.
Comment: MTOR: PM2

NM_004958.4(MTOR):c.1940C>T (p.Thr647Ile)

Gene: MTOR (mechanistic target of rapamycin kinase; minus strand). Cytogenetic location: 1p36.22.
Variant type: single nucleotide variant.
Coding change: c.1940C>T on transcript NM_004958.4 (MANE Select); coding-DNA position 1940, C replaced by T.
Protein change: p.Thr647Ile; replaces threonine 647 with isoleucine.
Molecular consequence: missense variant.
Genome position (GRCh38, 1-based): chr1:11,238,464, G>A on the plus strand (C>T on the coding strand, the complement: MTOR is on the minus strand). VCF-style: chr1-11238464-G-A. GRCh37 (hg19) VCF-style: chr1-11298521-G-A.
Other names: c.1940C>T, p.Thr647Ile (NM_001386500.1); c.692C>T, p.Thr231Ile (NM_001386501.1); short protein forms T231I, T647I.
Identifiers: ClinVar variation 4534844 (VCV004534844.6).